The following is an entry in ClinVar:

NM_005591.4(MRE11):c.1241T>C (p.Phe414Ser)

Gene: MRE11 (MRE11 double strand break repair nuclease; minus strand). Cytogenetic location: 11q21.
Variant type: single nucleotide variant.
Coding change: c.1241T>C on transcript NM_005591.4 (MANE Select); coding-DNA position 1241, T replaced by C.
Protein change: p.Phe414Ser; replaces phenylalanine 414 with serine.
Molecular consequence: missense variant.
Genome position (GRCh38, 1-based): chr11:94,461,021, A>G on the plus strand (T>C on the coding strand, the complement: MRE11 is on the minus strand). VCF-style: chr11-94461021-A-G. GRCh37 (hg19) VCF-style: chr11-94194187-A-G.
Other names: c.1241T>C, p.Phe414Ser (NM_001330347.2, NM_005590.4); short protein forms F414S.
Identifiers: ClinVar variation 483639 (VCV000483639.5), dbSNP rs1555009936, ClinGen allele CA382372449.

ClinVar aggregate classification (germline): Uncertain significance (1 of 4 stars; one submission).

Conditions:
Hereditary cancer-predisposing syndrome. Also called: Neoplastic Syndromes, Hereditary; Tumor predisposition; Hereditary Cancer Syndrome; Hereditary neoplastic syndrome. Identifiers: Orphanet 140162, MedGen C0027672, MeSH D009386, MONDO:0015356.

Submission:

Ambry Genetics
Classification: Uncertain significance for Hereditary cancer-predisposing syndrome. Last evaluated: 2017-01-24. Review status: criteria provided, single submitter. Criteria: Ambry Variant Classification Scheme 2023. Collection method: clinical testing. Allele origin: germline.
Comment: The p.F414S variant (also known as c.1241T>C), located in coding exon 11 of the MRE11A gene, results from a T to C substitution at nucleotide position 1241. The phenylalanine at codon 414 is replaced by serine, an amino acid with highly dissimilar properties. This amino acid position is well conserved in available vertebrate species. In addition, the in silico prediction for this alteration is inconclusive. Since supporting evidence is limited at this time, the clinical significance of this alteration remains unclear.